The following is an entry in ClinVar:

NM_000211.5(ITGB2):c.1462C>T (p.Arg488Trp)

Gene: ITGB2 (integrin subunit beta 2; minus strand). Cytogenetic location: 21q22.3.
Variant type: single nucleotide variant.
Coding change: c.1462C>T on transcript NM_000211.5 (MANE Select); coding-DNA position 1462, C replaced by T.
Protein change: p.Arg488Trp; replaces arginine 488 with tryptophan.
Molecular consequence: missense variant.
Genome position (GRCh38, 1-based): chr21:44,890,173, G>A on the plus strand (C>T on the coding strand, the complement: ITGB2 is on the minus strand). VCF-style: chr21-44890173-G-A. GRCh37 (hg19) VCF-style: chr21-46310088-G-A.
Other names: c.1462C>T, p.Arg488Trp (NM_001127491.3); c.1255C>T, p.Arg419Trp (NM_001303238.2); short protein forms R488W, R419W.
Identifiers: ClinVar variation 1424064 (VCV001424064.4), dbSNP rs766548458, ClinGen allele CA10062807.

ClinVar aggregate classification (germline): Uncertain significance (1 of 4 stars; one submission).

Conditions:
Leukocyte adhesion deficiency 1 (LAD1). Also called: LEUKOCYTE ADHESION DEFICIENCY, TYPE I; LAD 1; Lymphocyte function-associated antigen 1 immunodeficiency; LFA 1 immunodeficiency. Identifiers: Orphanet 2968, Orphanet 99842, MedGen C0398738, MONDO:0007293, OMIM 116920.

Allele frequency attached by ClinVar (database versions not stated): TOPMed 0.00001; ExAC 0.00004; gnomAD 0.00006 and 0.00007.
gnomAD v4.1: 42 of 1,613,148 alleles (0.0026%); highest among the groups gnomAD compares: East Asian, 0.0022%; no homozygotes.

Submission:

Labcorp Genetics (formerly Invitae), Labcorp
Classification: Uncertain significance for Leukocyte adhesion deficiency 1. Last evaluated: 2022-07-12. Review status: criteria provided, single submitter. Criteria: Invitae Variant Classification Sherloc (09022015). Collection method: clinical testing. Allele origin: germline.
Comment: Algorithms developed to predict the effect of missense changes on protein structure and function are either unavailable or do not agree on the potential impact of this missense change (SIFT: "Deleterious"; PolyPhen-2: "Benign"; Align-GVGD: "Class C35"). In summary, the available evidence is currently insufficient to determine the role of this variant in disease. Therefore, it has been classified as a Variant of Uncertain Significance. ClinVar contains an entry for this variant (Variation ID: 1424064). This variant has not been reported in the literature in individuals affected with ITGB2-related conditions. This variant is present in population databases (rs766548458, gnomAD 0.04%). This sequence change replaces arginine, which is basic and polar, with tryptophan, which is neutral and slightly polar, at codon 488 of the ITGB2 protein (p.Arg488Trp).